The following is an entry in ClinVar:

NM_020771.4(HACE1):c.1823T>G (p.Ile608Arg)

Gene: HACE1 (HECT domain and ankyrin repeat containing E3 ubiquitin protein ligase 1; minus strand). Cytogenetic location: 6q16.3.
Variant type: single nucleotide variant.
Coding change: c.1823T>G on transcript NM_020771.4 (MANE Select); coding-DNA position 1823, T replaced by G.
Protein change: p.Ile608Arg; replaces isoleucine 608 with arginine.
Molecular consequence: missense variant. On other transcripts: non-coding transcript variant (7).
Genome position (GRCh38, 1-based): chr6:104,776,782, A>C on the plus strand (T>G on the coding strand, the complement: HACE1 is on the minus strand). VCF-style: chr6-104776782-A-C. GRCh37 (hg19) VCF-style: chr6-105224657-A-C.
Other names: c.1691T>G, p.Ile564Arg (NM_001321080.2); c.1721T>G, p.Ile574Arg (NM_001321083.2); c.1319T>G, p.Ile440Arg (NM_001321084.2, NM_001350557.2, NM_001350558.2); c.1589T>G, p.Ile530Arg (NM_001350554.2); c.1532T>G, p.Ile511Arg (NM_001350555.2); c.1337T>G, p.Ile446Arg (NM_001350556.2); c.1241T>G, p.Ile414Arg (NM_001350559.2); c.1040T>G, p.Ile347Arg (NM_001350560.2); short protein forms I414R, I440R, I446R, I530R, I574R, I347R, I564R, I511R.
Identifiers: ClinVar variation 2806499 (VCV002806499.3), dbSNP rs1781266682, ClinGen allele CA365134435.

ClinVar aggregate classification (germline): Uncertain significance (1 of 4 stars; one submission).

Allele frequency attached by ClinVar (database versions not stated): TOPMed below 0.00001.

Submission:

Labcorp Genetics (formerly Invitae), Labcorp
Classification: Uncertain significance. Last evaluated: 2023-03-11. Review status: criteria provided, single submitter. Criteria: Invitae Variant Classification Sherloc (09022015). Collection method: clinical testing. Allele origin: germline.
Comment: In summary, the available evidence is currently insufficient to determine the role of this variant in disease. Therefore, it has been classified as a Variant of Uncertain Significance. Advanced modeling of protein sequence and biophysical properties (such as structural, functional, and spatial information, amino acid conservation, physicochemical variation, residue mobility, and thermodynamic stability) performed at Invitae indicates that this missense variant is not expected to disrupt HACE1 protein function. This variant has not been reported in the literature in individuals affected with HACE1-related conditions. This variant is not present in population databases (gnomAD no frequency). This sequence change replaces isoleucine, which is neutral and non-polar, with arginine, which is basic and polar, at codon 608 of the HACE1 protein (p.Ile608Arg).